The following is an entry in ClinVar:

ClinVar aggregate classification (germline): Pathogenic. Review status: reviewed by expert panel (3 of 4 stars). 8 submissions from 8 submitters: Pathogenic (1). 7 of the submissions do not count toward it. Last evaluated 2018-07-28.

Conditions:
Phenylketonuria (PKU). Also called: Phenylketonuria (PKU); OLIGOPHRENIA PHENYLPYRUVICA; Phenylketonurias; FOLLING DISEASE. Identifiers: Orphanet 716, MedGen C0031485, MONDO:0009861, OMIM 261600. Disease mechanism: loss of function.

Allele frequency attached by ClinVar (database versions not stated): gnomAD exomes 0.00002 and below 0.00001; TOPMed 0.00002.
gnomAD v4.1: 6 of 1,612,210 alleles (0.00037%); highest among the groups gnomAD compares: Admixed American, 0.01%; no homozygotes.

Submissions (8):

ClinGen PAH Variant Curation Expert Panel
Classification: Pathogenic for Phenylketonuria. Last evaluated: 2018-07-28. Review status: reviewed by expert panel. Criteria: ClinGen PAH ACMG Specifications v1. Collection method: curation. Allele origin: germline. Inheritance: Autosomal recessive inheritance.
Comment: The c.508C>G (p.His170Asp) variant in PAH has been reported in 1 patient with hyperphenylalaninemia, and 1 patient with benign persistent hyperphenylalaninemia. (PP4; PMID: 11385716). This variant has an extremely low allele frequency (0.00018) in gnomAD (PM2). This variant has 43% enzyme activity (PS3; PMID: 17935162). This variant was detected in trans with R261X, c.60+5G>T, c.1315+1G>A (Pathogenic in ClinVar) (PM3_Strong; PMID: 11385716; PMID: 24941924). Computational prediction tools and conservation analysis suggest that the c.829T>G variant may impact the protein (PP3). In summary, this variant meets criteria to be classified as pathogenic for PAH. PAH-specific ACMG/AMP criteria applied: PS3, PM3_Strong

Labcorp Genetics (formerly Invitae), Labcorp
Classification: Pathogenic for Phenylketonuria. Last evaluated: 2025-08-19. Review status: criteria provided, single submitter. Criteria: Invitae Variant Classification Sherloc (09022015). Collection method: clinical testing. Allele origin: germline. Not counted in ClinVar's aggregate classification.
Comment: This sequence change replaces histidine, which is basic and polar, with aspartic acid, which is acidic and polar, at codon 170 of the PAH protein (p.His170Asp). This variant is present in population databases (rs199475655, gnomAD 0.01%). This missense change has been observed in individual(s) with benign persistent hyperphenylalaninemia and hyperphenylalaninemia (PMID: 11385716, 12971421). ClinVar contains an entry for this variant (Variation ID: 92744). An algorithm developed to predict the effect of missense changes on protein structure and function (PolyPhen-2) suggests that this variant is likely to be disruptive. Experimental studies have shown that this missense change affects PAH function (PMID: 15557004, 17935162). For these reasons, this variant has been classified as Pathogenic.

Women's Health and Genetics/Laboratory Corporation of America, LabCorp
Classification: Pathogenic for Phenylketonuria. Last evaluated: 2025-03-12. Review status: criteria provided, single submitter. Criteria: LabCorp Variant Classification Summary - May 2015. Collection method: clinical testing. Allele origin: germline. Not counted in ClinVar's aggregate classification.
Comment: Variant summary: PAH c.508C>G (p.His170Asp) results in a non-conservative amino acid change in the encoded protein sequence. Five of five in-silico tools predict a damaging effect of the variant on protein function. Consensus agreement among computation tools predict no significant impact on normal splicing. However, these predictions have yet to be confirmed by functional studies. The variant allele was found at a frequency of 2e-05 in 251354 control chromosomes. c.508C>G has been reported in the literature in multiple compound heterozygous and homozygous individuals affected with Phenylalanine Hydroxylase Deficiency (Phenylketonuria) (Yang_2001, Vela-Amieva_2021). These data indicate that the variant is very likely to be associated with disease. At least one publication reports experimental evidence evaluating an impact on protein function (Zurfluh_2008). The most pronounced variant effect results in 43% of normal activity. The following publications have been ascertained in the context of this evaluation (PMID: 32778825, 32668217, 24941924, 11385716, 17935162). ClinVar contains an entry for this variant (Variation ID: 92744). Based on the evidence outlined above, the variant was classified as pathogenic.

Natera, Inc.
Classification: Pathogenic for Phenylketonuria. Last evaluated: 2024-10-06. Review status: criteria provided, single submitter. Criteria: Natera Variant Classification Schema (03/2026). Collection method: clinical testing. Allele origin: germline. Not counted in ClinVar's aggregate classification.
Comment: The c.508C>G variant in PAH is a missense variant predicted to cause substitution of histidine to aspartic acid at amino acid 170. This variant is rare in the general population with a frequency below the threshold expected for the associated phenotype(s). This variant has been observed in one or more individuals affected with the associated recessive disease, as either homozygous or compound heterozygous with a second variant (PMID: 11385716, 12971421). Computational prediction algorithms indicate this variant is likely to affect gene or protein function. Given the available evidence, this variant is classified as Pathogenic.

Revvity Omics, Revvity
Classification: Pathogenic for Phenylketonuria. Last evaluated: 2024-04-23. Review status: criteria provided, single submitter. Criteria: ACMG Guidelines, 2015. Collection method: clinical testing. Allele origin: germline. Not counted in ClinVar's aggregate classification.

GeneDx
Classification: Pathogenic. Last evaluated: 2018-09-24. Review status: criteria provided, single submitter. Criteria: GeneDx Variant Classification (06012015). Collection method: clinical testing. Allele origin: germline. Affected: yes. Not counted in ClinVar's aggregate classification.
Comment: The H170D missense variants in the PAH gene has been reported as a pathogenic variant in the PAH Consortium database. The H170D has been reported previously in association with both mild phenylketonuria (PKU) and with hyperphenylalaninemia (Yang et al., 2001; Vela-Amieva et al., 2015). Functional analysis found that H170D is associated with significant residual enzyme activity and is classified as a BH4-responsive variant (Zurfluh et al. 2008).

Eurofins Ntd Llc (ga)
Classification: Pathogenic. Last evaluated: 2013-08-14. Review status: criteria provided, single submitter. Criteria: EGL Classification Definitions 2015. Collection method: clinical testing. Allele origin: germline. Observed: 2 variant alleles, 2 heterozygotes. Not counted in ClinVar's aggregate classification.

DeBelle Laboratory for Biochemical Genetics, MUHC/MCH RESEARCH INSTITUTE
No classification provided. Review status: no classification provided. Collection method: not provided. Allele origin: not provided. Not counted in ClinVar's aggregate classification.

Literature cited by the submitters: PubMed 24941924 (cited by ClinGen PAH Variant Curation Expert Panel and Women's Health and Genetics/Laboratory Corporation of America, LabCorp); PubMed 11385716 (cited by 4 submitters); PubMed 17935162 (cited by 3 submitters); PubMed 12971421 (cited by Labcorp Genetics (formerly Invitae), Labcorp and Natera, Inc.); PubMed 15557004 (cited by Labcorp Genetics (formerly Invitae), Labcorp); PubMed 32778825 (cited by Women's Health and Genetics/Laboratory Corporation of America, LabCorp); PubMed 32668217 (cited by Women's Health and Genetics/Laboratory Corporation of America, LabCorp).

NM_000277.3(PAH):c.508C>G (p.His170Asp)

Gene: PAH (phenylalanine hydroxylase; minus strand). Cytogenetic location: 12q23.2.
Variant type: single nucleotide variant.
Coding change: c.508C>G on transcript NM_000277.3 (MANE Select); coding-DNA position 508, C replaced by G.
Protein change: p.His170Asp; replaces histidine 170 with aspartic acid.
Molecular consequence: missense variant.
Genome position (GRCh38, 1-based): chr12:102,866,597, G>C on the plus strand (C>G on the coding strand, the complement: PAH is on the minus strand). VCF-style: chr12-102866597-G-C. GRCh37 (hg19) VCF-style: chr12-103260375-G-C.
Other names: p.H170D:CAT>GAT; NM_000277.1(PAH):c.508C>G; c.508C>G, p.His170Asp (NM_001354304.2); c.508C>G (NM_000277.2); short protein forms H170D.
Identifiers: ClinVar variation 92744 (VCV000092744.22), dbSNP rs199475655, ClinGen allele CA273111.